The following is an entry in ClinVar:

NM_002976.4(SCN7A):c.1219A>G (p.Ile407Val)

Gene: SCN7A (sodium voltage-gated channel alpha subunit 7; minus strand). Cytogenetic location: 2q24.3.
Variant type: single nucleotide variant.
Coding change: c.1219A>G on transcript NM_002976.4 (MANE Select); coding-DNA position 1219, A replaced by G.
Protein change: p.Ile407Val; replaces isoleucine 407 with valine.
Molecular consequence: missense variant. On other transcripts: non-coding transcript variant (1).
Genome position (GRCh38, 1-based): chr2:166,456,941, T>C on the plus strand (A>G on the coding strand, the complement: SCN7A is on the minus strand). VCF-style: chr2-166456941-T-C. GRCh37 (hg19) VCF-style: chr2-167313451-T-C.
Other names: short protein forms I407V.
Identifiers: ClinVar variation 3056468 (VCV003056468.2), dbSNP rs11888208, ClinGen allele CA1945741.

ClinVar aggregate classification (germline): Benign (0 of 4 stars; one submission).

Conditions:
SCN7A-related disorder. Also called: SCN7A-related condition.

Allele frequency attached by ClinVar (database versions not stated): 1000 Genomes Project 0.11841; 1000 Genomes Project 30x 0.11977; TOPMed 0.13915; gnomAD 0.14035; ESP Exome Variant Server 0.15208.
gnomAD v4.1: 229,281 of 1,578,470 alleles (15%); highest among the groups gnomAD compares: Middle Eastern, 19%; 17,651 homozygotes.

Submission:

PreventionGenetics, part of Exact Sciences
Classification: Benign for SCN7A-related condition. Last evaluated: 2019-10-30. Review status: no assertion criteria provided. Collection method: clinical testing. Allele origin: germline.
Comment: This variant is classified as benign based on ACMG/AMP sequence variant interpretation guidelines (Richards et al. 2015 PMID: 25741868, with internal and published modifications).